The following is an entry in ClinVar:

NM_001830.4(CLCN4):c.2068C>T (p.Pro690Ser)

Gene: CLCN4 (Cl-/H+ antiporter 4; plus strand). Cytogenetic location: Xp22.2.
Variant type: single nucleotide variant.
Coding change: c.2068C>T on transcript NM_001830.4 (MANE Select); coding-DNA position 2068, C replaced by T.
Protein change: p.Pro690Ser; replaces proline 690 with serine.
Molecular consequence: missense variant.
Genome position (GRCh38, 1-based): chrX:10,220,753, C>T. VCF-style: chrX-10220753-C-T. GRCh37 (hg19) VCF-style: chrX-10188793-C-T.
Other names: c.1786C>T, p.Pro596Ser (NM_001256944.2); short protein forms P596S, P690S.
Identifiers: ClinVar variation 4532137 (VCV004532137.1).

ClinVar aggregate classification (germline): Uncertain significance (1 of 4 stars; one submission).

Conditions:
Intellectual disability, X-linked 49 (MRXSRC). Also called: MRX49; CLCN4-Related Neurodevelopmental Disorder; CLCN4-related X-linked intellectual disability syndrome; RAYNAUD-CLAES SYNDROME; MENTAL RETARDATION, X-LINKED 15. Identifiers: Orphanet 485350, Orphanet 777, MedGen C0796221, MONDO:0010250, OMIM 300114.

gnomAD v4.1: 1 of 1,211,579 alleles (0.000083%); highest among the groups gnomAD compares: South Asian, 0.0018%; no homozygotes.

Submission:

Victorian Clinical Genetics Services, Murdoch Childrens Research Institute
Classification: Uncertain significance for Intellectual disability, X-linked 49. Last evaluated: 2025-01-13. Review status: criteria provided, single submitter. Criteria: ACMG Guidelines, 2015. Collection method: clinical testing. Allele origin: germline. Affected: yes.
Comment: This variant is classified as VUS-3B. Evidence in support of pathogenic classification: Variant is present in gnomAD <0.001 for a dominant condition (v4: 1 heterozygote(s), 0 homozygote(s), 0 hemizygote(s)). Additional information: Variant is predicted to result in a missense amino acid change from proline to serine; This variant is hemizygous; This gene is associated with X-linked dominant disease. However, heterozygous females may be either affected (with mild to severe intellectual disability) or unaffected (PMID: 27550844); Alternative amino acid change(s) at the same position are present in gnomAD (Highest alelle count: v4: 13 heterozygote(s), 0 homozygote(s), 1 hemizygote(s)); This variant has no previous evidence of pathogenicity; No published segregation evidence has been identified for this variant; No published functional evidence has been identified for this variant; No comparable missense variants have previous evidence for pathogenicity; Variant is located in the annotated CBS pair domain superfamily (NCBI); Missense variant with inconclusive in silico prediction and/or uninformative conservation; Loss of function is a known mechanism of disease in this gene and is associated with Raynaud-Claes syndrome (MIM#300114). However, toxic gain of function has also been observed (PMID: 36385166).

Literature cited by the submitters: PubMed 36385166; PubMed 27550844.